The following is an entry in ClinVar:

NM_001042492.3(NF1):c.2773T>C (p.Leu925=)

Gene: NF1 (neurofibromin 1; plus strand). Cytogenetic location: 17q11.2.
Variant type: single nucleotide variant.
Coding change: c.2773T>C on transcript NM_001042492.3 (MANE Select); coding-DNA position 2773, T replaced by C.
Protein change: p.Leu925=; no amino-acid change (leucine 925 retained).
Molecular consequence: synonymous variant.
Genome position (GRCh38, 1-based): chr17:31,229,388, T>C. VCF-style: chr17-31229388-T-C. GRCh37 (hg19) VCF-style: chr17-29556406-T-C.
Other names: c.2773T>C, p.Leu925= (NM_000267.4).
Identifiers: ClinVar variation 1109395 (VCV001109395.10), dbSNP rs2151429634, ClinGen allele CA499228830.

ClinVar aggregate classification (germline): Benign/Likely benign. Review status: criteria provided, multiple submitters, no conflicts (2 of 4 stars). 3 submissions from 3 submitters: Benign (1); Likely benign (2). Last evaluated 2026-05-18.

Conditions:
Neurofibromatosis, type 1 (NF1). Also called: Peripheral type neurofibromatosis; NEUROFIBROMATOSIS, TYPE I, SOMATIC; VON RECKLINGHAUSEN DISEASE; Neurofibromatosis, type I. Identifiers: Orphanet 636, MedGen C0027831, MONDO:0018975, OMIM 162200. Disease mechanism: loss of function.
Cardiovascular phenotype. Identifiers: MedGen CN230736.
Hereditary cancer-predisposing syndrome. Also called: Neoplastic Syndromes, Hereditary; Tumor predisposition; Hereditary Cancer Syndrome; Hereditary neoplastic syndrome. Identifiers: Orphanet 140162, MedGen C0027672, MeSH D009386, MONDO:0015356.

gnomAD v4.1: 1 of 1,613,952 alleles (0.000062%); highest among the groups gnomAD compares: Non-Finnish European, 0.000085%; no homozygotes.

Submissions (3):

Myriad Genetics, Inc.
Classification: Benign for Neurofibromatosis, type 1. Last evaluated: 2026-05-18. Review status: criteria provided, single submitter. Criteria: Myriad Autosomal Dominant, Autosomal Recessive and X-Linked Classification Criteria (2023). Collection method: clinical testing. Allele origin: unknown.
Comment: This variant is considered benign. This variant is a silent/synonymous amino acid change and it is not expected to impact splicing.

Labcorp Genetics (formerly Invitae), Labcorp
Classification: Likely benign for Neurofibromatosis, type 1. Last evaluated: 2024-11-05. Review status: criteria provided, single submitter. Criteria: Invitae Variant Classification Sherloc (09022015). Collection method: clinical testing. Allele origin: germline.

Ambry Genetics
Classification: Likely benign for Cardiovascular phenotype; Hereditary cancer-predisposing syndrome. Last evaluated: 2022-04-07. Review status: criteria provided, single submitter. Criteria: Ambry Variant Classification Scheme 2023. Collection method: clinical testing. Allele origin: germline.